The following is an entry in ClinVar:

ClinVar aggregate classification (germline): Conflicting classifications of pathogenicity. Review status: criteria provided, conflicting classifications (1 of 4 stars). 3 submissions from 2 submitters: Uncertain significance (2); Benign (1). Last evaluated 2017-04-27.

Conditions:
Autosomal dominant nonsyndromic hearing loss 6 (LFSNHL). Also called: DEAFNESS, AUTOSOMAL DOMINANT 6; DEAFNESS, AUTOSOMAL DOMINANT 14; DEAFNESS, AUTOSOMAL DOMINANT 38; Autosomal dominant nonsyndromic deafness 6; DIDMOAD (Diabetes Insipidus, Diabetes Mellitus, Optic Atrophy, and Deafness). Identifiers: Orphanet 90635, MedGen C1833021, MONDO:0010963, OMIM 600965.
Wolfram syndrome 1 (WFS1). Identifiers: Orphanet 3463, MedGen C4551693, MONDO:0009101, OMIM 222300.
WFS1-Related Spectrum Disorders.

Allele frequency attached by ClinVar (database versions not stated): gnomAD 0.00001; TOPMed 0.00002.
gnomAD v4.1: 25 of 1,610,112 alleles (0.0016%); highest among the groups gnomAD compares: Non-Finnish European, 0.0021%; no homozygotes.

Submissions (3):

Illumina Laboratory Services, Illumina
Classification: Uncertain significance for Autosomal dominant nonsyndromic hearing loss 6. Last evaluated: 2017-04-27. Review status: criteria provided, single submitter. Criteria: ICSL Variant Classification Criteria 13 December 2019. Collection method: clinical testing. Allele origin: germline.

Illumina Laboratory Services, Illumina
Classification: Uncertain significance for WFS1-Related Spectrum Disorders. Last evaluated: 2017-04-27. Review status: criteria provided, single submitter. Criteria: ICSL Variant Classification Criteria 13 December 2019. Collection method: clinical testing. Allele origin: germline.

Clinical Genomics, Uppaluri K&H Personalized Medicine Clinic
Classification: Benign for Wolfram syndrome 1. Review status: criteria provided, single submitter. Criteria: K & H Uppaluri Personalized Medicine Clinic Variant Classification & Assertion Criteria_Updated V.1. Collection method: research. Allele origin: unknown. Inheritance: Autosomal recessive inheritance.
Comment: Potent mutations in WFS1 gene are associated with Wolfram's syndrome, an autosomal recessive condition, which cause diabetes mellitus, diabetes insipidus, deafness and optic atrophy.However no sufficient evidence is found to ascertain the role of this particular variant rs1312854010 in Wolfram's syndrome yet.

Literature cited by the submitters: PubMed 20738327 (cited by Clinical Genomics, Uppaluri K&H Personalized Medicine Clinic); PubMed 33879153 (cited by Clinical Genomics, Uppaluri K&H Personalized Medicine Clinic); PubMed 12955714 (cited by Clinical Genomics, Uppaluri K&H Personalized Medicine Clinic); PubMed 18060660 (cited by Clinical Genomics, Uppaluri K&H Personalized Medicine Clinic); PubMed 20301750 (cited by Clinical Genomics, Uppaluri K&H Personalized Medicine Clinic); PubMed 17603484 (cited by Clinical Genomics, Uppaluri K&H Personalized Medicine Clinic).

NM_006005.3(WFS1):c.*37C>A

Gene: WFS1 (wolframin ER transmembrane glycoprotein; plus strand). Cytogenetic location: 4p16.1.
Variant type: single nucleotide variant.
Coding change: c.*37C>A on transcript NM_006005.3 (MANE Select); 37 bases downstream of the stop codon, C replaced by A.
Molecular consequence: 3 prime UTR variant.
Genome position (GRCh38, 1-based): chr4:6,302,505, C>A. VCF-style: chr4-6302505-C-A. GRCh37 (hg19) VCF-style: chr4-6304232-C-A.
Other names: c.*37C>A (NM_001145853.1).
Identifiers: ClinVar variation 907829 (VCV000907829.4), dbSNP rs1312854010, ClinGen allele CA549708064.